The following is an entry in ClinVar:

NM_152743.4(BRAT1):c.251C>T (p.Ala84Val)

Gene: BRAT1 (BRCA1 associated ATM activator 1; minus strand). Cytogenetic location: 7p22.3.
Variant type: single nucleotide variant.
Coding change: c.251C>T on transcript NM_152743.4 (MANE Select); coding-DNA position 251, C replaced by T.
Protein change: p.Ala84Val; replaces alanine 84 with valine.
Molecular consequence: missense variant. On other transcripts: 5 prime UTR variant (1), non-coding transcript variant (1).
Genome position (GRCh38, 1-based): chr7:2,547,355, G>A on the plus strand (C>T on the coding strand, the complement: BRAT1 is on the minus strand). VCF-style: chr7-2547355-G-A. GRCh37 (hg19) VCF-style: chr7-2586989-G-A.
Other names: c.251C>T, p.Ala84Val (NM_001350626.2); c.-127C>T (NM_001350627.2); short protein forms A84V.
Identifiers: ClinVar variation 3601970 (VCV003601970.1).

ClinVar aggregate classification (germline): Uncertain significance (1 of 4 stars; one submission).

Conditions:
Neurodevelopmental disorder with cerebellar atrophy and with or without seizures. Identifiers: MedGen C4748032, MONDO:0020841, OMIM 618056.

Submission:

MVZ Medizinische Genetik Mainz
Classification: Uncertain significance for Neurodevelopmental disorder with cerebellar atrophy and with or without seizures. Last evaluated: 2024-12-16. Review status: criteria provided, single submitter. Criteria: UK Practice Guidelines For Variant Classification V4 01 2020. Collection method: clinical testing. Allele origin: germline. Inheritance: Autosomal recessive inheritance. Affected: yes. Observed: 1 variant allele.
Comment: ACMG Criteria: PM3,PM2_SUP; Compound Heterozygote